The following is an entry in ClinVar:

ClinVar aggregate classification (germline): Conflicting classifications of pathogenicity. Review status: criteria provided, conflicting classifications (1 of 4 stars). 2 submissions from 2 submitters: Uncertain significance (1); Likely benign (1). Last evaluated 2025-01-13.

Allele frequency attached by ClinVar (database versions not stated): TOPMed 0.00003; 1000 Genomes Project 30x 0.00016; 1000 Genomes Project 0.00020.
gnomAD v4.1: 17 of 1,613,766 alleles (0.0011%); highest among the groups gnomAD compares: East Asian, 0.031%; no homozygotes.

Submissions (2):

Labcorp Genetics (formerly Invitae), Labcorp
Classification: Uncertain significance. Last evaluated: 2025-01-13. Review status: criteria provided, single submitter. Criteria: Invitae Variant Classification Sherloc (09022015). Collection method: clinical testing. Allele origin: germline.
Comment: This sequence change replaces proline, which is neutral and non-polar, with alanine, which is neutral and non-polar, at codon 1408 of the SRCAP protein (p.Pro1408Ala). This variant is present in population databases (rs151230923, gnomAD 0.05%). This variant has not been reported in the literature in individuals affected with SRCAP-related conditions. ClinVar contains an entry for this variant (Variation ID: 1480408). Invitae Evidence Modeling of protein sequence and biophysical properties (such as structural, functional, and spatial information, amino acid conservation, physicochemical variation, residue mobility, and thermodynamic stability) indicates that this missense variant is not expected to disrupt SRCAP protein function with a negative predictive value of 80%. In summary, the available evidence is currently insufficient to determine the role of this variant in disease. Therefore, it has been classified as a Variant of Uncertain Significance.

Blueprint Genetics
Classification: Likely benign. Last evaluated: 2023-07-18. Review status: criteria provided, single submitter. Criteria: ACMG Guidelines, 2015. Collection method: clinical testing. Allele origin: germline.

NM_006662.3(SRCAP):c.4222C>G (p.Pro1408Ala)

Gene: SRCAP (Snf2 related CREBBP activator protein; plus strand). Cytogenetic location: 16p11.2.
Variant type: single nucleotide variant.
Coding change: c.4222C>G on transcript NM_006662.3 (MANE Select); coding-DNA position 4222, C replaced by G.
Protein change: p.Pro1408Ala; replaces proline 1408 with alanine.
Molecular consequence: missense variant.
Genome position (GRCh38, 1-based): chr16:30,723,646, C>G. VCF-style: chr16-30723646-C-G. GRCh37 (hg19) VCF-style: chr16-30734967-C-G.
Other names: short protein forms P1408A.
Identifiers: ClinVar variation 1480408 (VCV001480408.8), dbSNP rs151230923, ClinGen allele CA8011709.